The following is an entry in ClinVar:

ClinVar aggregate classification (germline): Conflicting classifications of pathogenicity. Review status: criteria provided, conflicting classifications (1 of 4 stars). 3 submissions from 3 submitters: Uncertain significance (2); Likely benign (1). Last evaluated 2023-05-30.

Conditions:
Cardiovascular phenotype. Identifiers: MedGen CN230736.
Familial hypobetalipoproteinemia 1. Also called: Hypobetalipoproteinemia, normotriglyceridemic; Acanthocytosis with hypobetalipoproteinemia; APOB-Related Familial Hypobetalipoproteinemia. Identifiers: MedGen C4551990, MONDO:0014252, OMIM 615558.
Hypercholesterolemia, autosomal dominant, type B (FHCL2). Also called: Familial Hypercholesterolemia Type B; HYPERCHOLESTEROLEMIA, FAMILIAL, DUE TO LIGAND-DEFECTIVE APOLIPOPROTEIN B; Familial hypercholesterolemia 2; APOB-Related Familial Hypercholesterolemia, Autosomal Dominant; APOLIPOPROTEIN B-100, FAMILIAL DEFECTIVE; APOLIPOPROTEIN B-100, FAMILIAL LIGAND-DEFECTIVE. Identifiers: MedGen C1704417, MONDO:0007751, OMIM 144010.

Allele frequency attached by ClinVar (database versions not stated): TOPMed below 0.00001.
gnomAD v4.1: 4 of 1,614,172 alleles (0.00025%); highest among the groups gnomAD compares: South Asian, 0.0033%; no homozygotes.

Submissions (3):

Labcorp Genetics (formerly Invitae), Labcorp
Classification: Likely benign for Familial hypobetalipoproteinemia 1; Hypercholesterolemia, autosomal dominant, type B. Last evaluated: 2023-05-30. Review status: criteria provided, single submitter. Criteria: Invitae Variant Classification Sherloc (09022015). Collection method: clinical testing. Allele origin: germline.

Ambry Genetics
Classification: Uncertain significance for Cardiovascular phenotype. Last evaluated: 2022-09-02. Review status: criteria provided, single submitter. Criteria: Ambry Variant Classification Scheme 2023. Collection method: clinical testing. Allele origin: germline.
Comment: The p.T1288I variant (also known as c.3863C>T), located in coding exon 25 of the APOB gene, results from a C to T substitution at nucleotide position 3863. The threonine at codon 1288 is replaced by isoleucine, an amino acid with similar properties. This amino acid position is conserved. In addition, this alteration is predicted to be tolerated by in silico analysis. Since supporting evidence is limited at this time, the clinical significance of this alteration remains unclear.

GeneDx
Classification: Uncertain significance. Last evaluated: 2019-12-16. Review status: criteria provided, single submitter. Criteria: GeneDx Variant Classification Process June 2021. Collection method: clinical testing. Allele origin: germline. Affected: yes.
Comment: Not observed at a significant frequency in large population cohorts (Lek et al., 2016); In silico analysis, which includes protein predictors and evolutionary conservation, supports that this variant does not alter protein structure/function; Has not been previously published as pathogenic or benign to our knowledge

NM_000384.3(APOB):c.3863C>T (p.Thr1288Ile)

Gene: APOB (apolipoprotein B; minus strand). Cytogenetic location: 2p24.1.
Variant type: single nucleotide variant.
Coding change: c.3863C>T on transcript NM_000384.3 (MANE Select); coding-DNA position 3863, C replaced by T.
Protein change: p.Thr1288Ile; replaces threonine 1288 with isoleucine.
Molecular consequence: missense variant.
Genome position (GRCh38, 1-based): chr2:21,013,513, G>A on the plus strand (C>T on the coding strand, the complement: APOB is on the minus strand). VCF-style: chr2-21013513-G-A. GRCh37 (hg19) VCF-style: chr2-21236385-G-A.
Other names: short protein forms T1288I.
Identifiers: ClinVar variation 919803 (VCV000919803.10), dbSNP rs745401772, ClinGen allele CA346008116.